The following is an entry in ClinVar:

NM_000702.4(ATP1A2):c.2644G>A (p.Gly882Arg)

Gene: ATP1A2 (ATPase Na+/K+ transporting subunit alpha 2; plus strand). Cytogenetic location: 1q23.2.
Variant type: single nucleotide variant.
Coding change: c.2644G>A on transcript NM_000702.4 (MANE Select); coding-DNA position 2644, G replaced by A.
Protein change: p.Gly882Arg; replaces glycine 882 with arginine.
Molecular consequence: missense variant.
Genome position (GRCh38, 1-based): chr1:160,136,650, G>A. VCF-style: chr1-160136650-G-A. GRCh37 (hg19) VCF-style: chr1-160106440-G-A.
Other names: short protein forms G882R.
Identifiers: ClinVar variation 2867034 (VCV002867034.3), dbSNP rs2101996175, ClinGen allele CA343252090.

ClinVar aggregate classification (germline): Uncertain significance (1 of 4 stars; one submission).

Conditions:
Familial hemiplegic migraine. Identifiers: MedGen C0338484, MONDO:0000700.

Submission:

Labcorp Genetics (formerly Invitae), Labcorp
Classification: Uncertain significance for Familial hemiplegic migraine. Last evaluated: 2023-05-22. Review status: criteria provided, single submitter. Criteria: Invitae Variant Classification Sherloc (09022015). Collection method: clinical testing. Allele origin: germline.
Comment: This variant has not been reported in the literature in individuals affected with ATP1A2-related conditions. In summary, the available evidence is currently insufficient to determine the role of this variant in disease. Therefore, it has been classified as a Variant of Uncertain Significance. Advanced modeling of protein sequence and biophysical properties (such as structural, functional, and spatial information, amino acid conservation, physicochemical variation, residue mobility, and thermodynamic stability) performed at Invitae indicates that this missense variant is expected to disrupt ATP1A2 protein function. This variant is not present in population databases (gnomAD no frequency). This sequence change replaces glycine, which is neutral and non-polar, with arginine, which is basic and polar, at codon 882 of the ATP1A2 protein (p.Gly882Arg).